The following is an entry in ClinVar:

NM_001080449.3(DNA2):c.65C>T (p.Pro22Leu)

Gene: DNA2 (DNA replication helicase/nuclease 2; minus strand). Cytogenetic location: 10q21.3.
Variant type: single nucleotide variant.
Coding change: c.65C>T on transcript NM_001080449.3 (MANE Select); coding-DNA position 65, C replaced by T.
Protein change: p.Pro22Leu; replaces proline 22 with leucine.
Molecular consequence: missense variant. On other transcripts: non-coding transcript variant (1).
Genome position (GRCh38, 1-based): chr10:68,471,800, G>A on the plus strand (C>T on the coding strand, the complement: DNA2 is on the minus strand). VCF-style: chr10-68471800-G-A. GRCh37 (hg19) VCF-style: chr10-70231557-G-A.
Other names: short protein forms P22L.
Identifiers: ClinVar variation 2824339 (VCV002824339.3), dbSNP rs779404104, ClinGen allele CA376833501.

ClinVar aggregate classification (germline): Uncertain significance (1 of 4 stars; one submission).

Submission:

Labcorp Genetics (formerly Invitae), Labcorp
Classification: Uncertain significance. Last evaluated: 2022-12-26. Review status: criteria provided, single submitter. Criteria: Invitae Variant Classification Sherloc (09022015). Collection method: clinical testing. Allele origin: germline.
Comment: This sequence change replaces proline, which is neutral and non-polar, with leucine, which is neutral and non-polar, at codon 22 of the DNA2 protein (p.Pro22Leu). This variant is not present in population databases (gnomAD no frequency). This variant has not been reported in the literature in individuals affected with DNA2-related conditions. Algorithms developed to predict the effect of missense changes on protein structure and function are either unavailable or do not agree on the potential impact of this missense change (SIFT: "Tolerated"; PolyPhen-2: "Not Available"; Align-GVGD: "Class C0"). In summary, the available evidence is currently insufficient to determine the role of this variant in disease. Therefore, it has been classified as a Variant of Uncertain Significance.